The following is an entry in ClinVar:

ClinVar aggregate classification (germline): Uncertain significance. Review status: criteria provided, multiple submitters, no conflicts (2 of 4 stars). 2 submissions from 2 submitters: Uncertain significance (2). Last evaluated 2024-01-27.

Conditions:
Charcot-Marie-Tooth disease axonal type 2V. Also called: CHARCOT-MARIE-TOOTH NEUROPATHY, TYPE 2V; CHARCOT-MARIE-TOOTH DISEASE, AXONAL, AUTOSOMAL DOMINANT, TYPE 2V. Identifiers: Orphanet 447964, MedGen C5569050, MONDO:0014665, OMIM 616491.
Mucopolysaccharidosis, MPS-III-B (MPS3B). Also called: N-ACETYL-ALPHA-D-GLUCOSAMINIDASE DEFICIENCY; NAGLU DEFICIENCY; SANFILIPPO SYNDROME B; MPS III B; MUCOPOLYSACCHARIDOSIS, TYPE IIIB; MPS IIIB (Sanfilippo Syndrome Type B). Identifiers: Orphanet 79270, MedGen C0086648, MONDO:0009656, OMIM 252920.

Allele frequency attached by ClinVar (database versions not stated): gnomAD exomes 0.00002; ExAC 0.00001.
gnomAD v4.1: 29 of 1,605,578 alleles (0.0018%); highest among the groups gnomAD compares: Non-Finnish European, 0.0023%; no homozygotes.

Submissions (2):

GeneDx
Classification: Uncertain significance. Last evaluated: 2024-01-27. Review status: criteria provided, single submitter. Criteria: GeneDx Variant Classification Process June 2021. Collection method: clinical testing. Allele origin: germline. Affected: yes.
Comment: Not observed at significant frequency in large population cohorts (gnomAD); In silico analysis supports that this missense variant has a deleterious effect on protein structure/function; Has not been previously published as pathogenic or benign to our knowledge

Labcorp Genetics (formerly Invitae), Labcorp
Classification: Uncertain significance for Charcot-Marie-Tooth disease axonal type 2V; Mucopolysaccharidosis, MPS-III-B. Last evaluated: 2022-11-22. Review status: criteria provided, single submitter. Criteria: Invitae Variant Classification Sherloc (09022015). Collection method: clinical testing. Allele origin: germline.
Comment: In summary, the available evidence is currently insufficient to determine the role of this variant in disease. Therefore, it has been classified as a Variant of Uncertain Significance. Advanced modeling of protein sequence and biophysical properties (such as structural, functional, and spatial information, amino acid conservation, physicochemical variation, residue mobility, and thermodynamic stability) has been performed at Invitae for this missense variant, however the output from this modeling did not meet the statistical confidence thresholds required to predict the impact of this variant on NAGLU protein function. This variant has not been reported in the literature in individuals affected with NAGLU-related conditions. This variant is present in population databases (rs757325483, gnomAD 0.006%). This sequence change replaces asparagine, which is neutral and polar, with serine, which is neutral and polar, at codon 503 of the NAGLU protein (p.Asn503Ser).

NM_000263.4(NAGLU):c.1508A>G (p.Asn503Ser)

Gene: NAGLU (N-acetyl-alpha-glucosaminidase; plus strand). Cytogenetic location: 17q21.2.
Variant type: single nucleotide variant.
Coding change: c.1508A>G on transcript NM_000263.4 (MANE Select); coding-DNA position 1508, A replaced by G.
Protein change: p.Asn503Ser; replaces asparagine 503 with serine.
Molecular consequence: missense variant.
Genome position (GRCh38, 1-based): chr17:42,543,514, A>G. VCF-style: chr17-42543514-A-G. GRCh37 (hg19) VCF-style: chr17-40695532-A-G.
Other names: c.1508A>G (NM_000263.3); short protein forms N503S.
Identifiers: ClinVar variation 2150206 (VCV002150206.3), dbSNP rs757325483, ClinGen allele CA8577040.